The following is an entry in ClinVar:

NM_005633.4(SOS1):c.3347-1G>A

Gene: SOS1 (SOS Ras/Rac guanine nucleotide exchange factor 1; minus strand). Cytogenetic location: 2p22.1.
Variant type: single nucleotide variant.
Coding change: c.3347-1G>A on transcript NM_005633.4 (MANE Select); the canonical splice acceptor site of the intron before coding-DNA position 3347, G replaced by A.
Molecular consequence: splice acceptor variant. On other transcripts: intron variant (1).
Genome position (GRCh38, 1-based): chr2:38,989,315, C>T on the plus strand (G>A on the coding strand, the complement: SOS1 is on the minus strand). VCF-style: chr2-38989315-C-T. GRCh37 (hg19) VCF-style: chr2-39216456-C-T.
Other names: c.3326-1G>A (NM_001382394.1); c.3347-1724G>A (NM_001382395.1).
Identifiers: ClinVar variation 40726 (VCV000040726.76), dbSNP rs141565234, ClinGen allele CA181526.

ClinVar aggregate classification (germline): Conflicting classifications of pathogenicity. Review status: criteria provided, conflicting classifications (1 of 4 stars). 15 submissions from 15 submitters: Uncertain significance (12); Likely benign (2). 1 of the submissions does not count toward it. Last evaluated 2026-07-15.

Conditions:
SOS1-related disorder. Also called: SOS1-related condition.
Noonan syndrome and Noonan-related syndrome. Identifiers: Orphanet 98733, MedGen C5681679, MONDO:0020297.
Cardiovascular phenotype. Identifiers: MedGen CN230736.
Fibromatosis, gingival, 1 (GINGF1). Identifiers: Orphanet 2024, MedGen C4551558, MONDO:0007609, OMIM 135300.
Noonan syndrome 4 (NS4). Also called: NOONAN SYNDROME WITH PIGMENTED VILLONODULAR SYNOVITIS; SOS1-Related Noonan Syndrome. Identifiers: Orphanet 648, MedGen C1853120, MONDO:0012547, OMIM 610733.
RASopathy. Also called: rasopathies; Noonan spectrum disorder. Identifiers: Orphanet 536391, MedGen C5555857, MONDO:0021060.

Allele frequency attached by ClinVar (database versions not stated): ExAC 0.00013; gnomAD exomes 0.00014 and 0.00015; gnomAD 0.00017 and 0.00019; 1000 Genomes Project 0.00040; ESP Exome Variant Server 0.00023; TOPMed 0.00024; 1000 Genomes Project 30x 0.00031.
gnomAD v4.1: 255 of 1,602,024 alleles (0.016%); highest among the groups gnomAD compares: Admixed American, 0.028%; no homozygotes.

Submissions 1 to 7 of 17:

GeneDx
Classification: Uncertain significance. Last evaluated: 2026-07-15. Review status: criteria provided, single submitter. Criteria: GeneDx Variant Classification Process June 2021. Collection method: clinical testing. Allele origin: germline.
Comment: Reported as a variant of uncertain significance in three individuals with Noonan syndrome, two of whom had additional variants in other genes associated with Noonan spectrum disorders (PMID: 24896146, 26918529, 41675685); Reported as a variant of uncertain significance in a patient with multiple cafe-au-lait macules; however, no segregation information was provided (PMID: 31573083); Reported in a proband with increased nuchal translucency and another patient who was small for gestational age; however, no further clinical or segregation information was provided (PMID: 29342293, 29907801); Canonical splice site variant with an unclear effect on protein function; This variant is associated with the following publications: (PMID: 26918529, 29868112, 30838730, 29493581, 36110220, 34493867, 24896146, 32191290, 29342293, 29907801, 41675685, 31573083, 30050098)

ARUP Laboratories, Molecular Genetics and Genomics, ARUP Laboratories
Classification: Uncertain significance. Last evaluated: 2025-04-22. Review status: criteria provided, single submitter. Criteria: ARUP Molecular Germline Variant Investigation Process 2024. Collection method: clinical testing. Allele origin: germline.
Comment: The SOS1 c.3347-1G>A variant (rs141565234, ClinVar Variation ID: 40726) is reported in the literature in several individuals with clinical features of a Rasopathy disorder, but without supporting evidence of causality (Hakami 2016, Justino 2015, Leach 2019). This variant is found in the non-Finnish European population with an allele frequency of 0.023% (29/128,348 alleles) in the Genome Aggregation Database (v2.1.1). This variant disrupts the canonical splice acceptor site of intron 20, which is likely to negatively impact gene function. However, most pathogenic SOS1 variants are gain-of-function missense variants (Roberts 2007, Tartaglia 2007), and the clinical significance of loss-of-function variants is unclear. Due to limited information, the clinical significance of the SOS1 c.3347-1G>A variant is uncertain at this time. References: Hakami F et al. Retrospective study of prenatal ultrasound findings in newborns with a Noonan spectrum disorder. Prenat Diagn. 2016 May;36(5):418-23. PMID: 26918529. Justino A et al. Comprehensive massive parallel DNA sequencing strategy for the genetic diagnosis of the neuro-cardio-facio-cutaneous syndromes. Eur J Hum Genet. 2015 Mar;23(3):347-53. PMID: 24896146. Leach NT et al. Comparative assessment of gene-specific variant distribution in prenatal and postnatal cohorts tested for Noonan syndrome and related conditions. Genet Med. 2019 Feb;21(2):417-425. PMID: 29907801. Roberts AE et al. Germline gain-of-function mutations in SOS1 cause Noonan syndrome. Nat Genet. 2007 Jan;39(1):70-4. PMID: 17143285. Tartaglia M et al. Gain-of-function SOS1 mutations cause a distinctive form of Noonan syndrome. Nat Genet. 2007 Jan;39(1):75-9. PMID: 17143282.

St. Jude Molecular Pathology, St. Jude Children's Research Hospital
Classification: Uncertain significance for Noonan syndrome 4. Last evaluated: 2025-01-16. Review status: criteria provided, single submitter. Criteria: St. Jude Assertion Criteria 2020. Collection method: clinical testing. Allele origin: germline.
Comment: The SOS1 c.3347-1G>A intronic change results in a G to A substitution at the -1 position of intron 20 of the SOS1 gene. This variant has a maximum subpopulation frequency of 0.022% in gnomAD v2.1.1. This variant has been reported in individuals with clinical features of SOS1-related conditions (PMID: 24896146, 26918529, 29907801). Algorithms that predict the impact of sequence changes on splicing indicate that this change will result in loss of the native acceptor site. While this variant may cause intron retention and result in protein truncation/loss, the disease mechanism for SOS1 is gain-of-function caused by heterozygous missense changes (PMID: 17143282, 17143285). In addition, natural alternative in-frame splicing between exons 20 and 22 and skipping of exon 21 occurs in a different isoform (NM_001382395). Therefore, future studies are required to further elucidate the biological rule of this variant. In summary, the evidence currently available is insufficient to determine the clinical significance of this variant. It has therefore been classified as of uncertain significance.

Ambry Genetics
Classification: Uncertain significance for Cardiovascular phenotype. Last evaluated: 2024-12-16. Review status: criteria provided, single submitter. Criteria: Ambry Variant Classification Scheme 2023. Collection method: clinical testing. Allele origin: germline.
Comment: The c.3347-1G>A intronic variant results from a G to A substitution one nucleotide upstream from coding exon 21 of the SOS1 gene. This variant has been identified in an individual with Noonan syndrome in conjunction with three additional variants in other RAS-MAPK pathway genes; however, all four alterations were interpreted as variants of unknown significance (Justino A et al. Eur. J. Hum. Genet., 2015 Mar;23:347-53). In addition, this alteration has been detected in association with varying presentations, including a newborn with prenatally diagnosed intrauterine growth restriction (Hakami F et al. Prenat. Diagn., 2016 May;36:418-23), an individual with cafe au lait macules, an individual with breast cancer (Torrezan GT et al. Front Genet, 2018 May;9:161), a prenatal sample with increased nuchal translucency (Leach NT et al. Genet Med. 2019 Feb;21(2):417-425), and in an individual with intellectual disability, coarse and dysmorphic facial features, ADHD, short stature, ophthalmologic involvement, persistent fetal fingertip and toetip pads, and diffuse hyperpigmentary and hypopigmentary changes who carried a truncating mutation in ARID2 (Khazanchi R et al. Am. J. Med. Genet. A, 2019 May;179:808-812). This nucleotide position is highly conserved in available vertebrate species. In silico splice site analysis predicts that this alteration will weaken the native splice acceptor site. Alterations that disrupt the canonical splice site are expected to cause aberrant splicing, resulting in an abnormal protein or a transcript that is subject to nonsense-mediated mRNA decay. However, loss of function of SOS1 has not been established as a mechanism of disease. Since supporting evidence is limited at this time, the clinical significance of this alteration remains unclear.

Labcorp Genetics (formerly Invitae), Labcorp
Classification: Uncertain significance for RASopathy. Last evaluated: 2024-12-05. Review status: criteria provided, single submitter. Criteria: Invitae Variant Classification Sherloc (09022015). Collection method: clinical testing. Allele origin: germline.
Comment: This sequence change affects an acceptor splice site in intron 20 of the SOS1 gene. It is expected to disrupt RNA splicing. Variants that disrupt the donor or acceptor splice site typically lead to a loss of protein function (PMID: 16199547), however the current clinical and genetic evidence is not sufficient to establish whether loss-of-function variants in SOS1 cause disease. This variant is present in population databases (rs141565234, gnomAD 0.02%). Disruption of this splice site has been observed in individual(s) with clinical features of SOS1-related conditions (PMID: 26918529, 29907801, 31573083). ClinVar contains an entry for this variant (Variation ID: 40726). Algorithms developed to predict the effect of sequence changes on RNA splicing suggest that this variant may disrupt the consensus splice site. In summary, the available evidence is currently insufficient to determine the role of this variant in disease. Therefore, it has been classified as a Variant of Uncertain Significance.

Blueprint Genetics
Classification: Likely benign. Last evaluated: 2024-11-25. Review status: criteria provided, single submitter. Criteria: ACMG Guidelines, 2015. Collection method: clinical testing. Allele origin: germline.

Revvity Omics, Revvity
Classification: Likely benign. Last evaluated: 2024-10-22. Review status: criteria provided, single submitter. Criteria: ACMG Guidelines, 2015. Collection method: clinical testing. Allele origin: germline.